The following is an entry in ClinVar:

ClinVar aggregate classification (germline): Uncertain significance (1 of 4 stars; one submission).

Conditions:
Inborn genetic diseases. Identifiers: MedGen C0950123, MeSH D030342.

gnomAD v4.1: 44 of 1,612,462 alleles (0.0027%); highest among the groups gnomAD compares: Middle Eastern, 0.017%; no homozygotes.

Submission:

Ambry Genetics
Classification: Uncertain significance for Inborn genetic diseases. Last evaluated: 2026-04-15. Review status: criteria provided, single submitter. Criteria: Ambry Variant Classification Scheme 2023. Collection method: clinical testing. Allele origin: germline.
Comment: The c.1463C>T (p.T488M) alteration is located in exon 13 (coding exon 13) of the ATAD3A gene. This alteration results from a C to T substitution at nucleotide position 1463, causing the threonine (T) at amino acid position 488 to be replaced by a methionine (M). Based on data from gnomAD, the T allele has an overall frequency of 0.002% (5/242624) total alleles studied. The highest observed frequency was 0.005% (1/21246) of European (Finnish) alleles. Based on insufficient or conflicting evidence, the clinical significance of this alteration remains unclear.

NM_001170535.3(ATAD3A):c.1319C>T (p.Thr440Met)

Gene: ATAD3A (ATPase family AAA domain containing 3A; plus strand). Cytogenetic location: 1p36.33.
Variant type: single nucleotide variant.
Coding change: c.1319C>T on transcript NM_001170535.3 (MANE Select); coding-DNA position 1319, C replaced by T.
Protein change: p.Thr440Met; replaces threonine 440 with methionine.
Molecular consequence: missense variant.
Genome position (GRCh38, 1-based): chr1:1,526,513, C>T. VCF-style: chr1-1526513-C-T. GRCh37 (hg19) VCF-style: chr1-1461893-C-T.
Other names: c.1082C>T, p.Thr361Met (NM_001170536.3); c.1463C>T, p.Thr488Met (NM_018188.5); short protein forms T361M, T440M, T488M.
Identifiers: ClinVar variation 4865216 (VCV004865216.1).
Genomic context (GRCh38, chr1:1,526,513, plus strand): 5'-CTCTGCAGGAGAAGATAAGCGAGGACCTCAGGGCCACACTGAACGCCTTCCTGTACCGCA[C>T]GGGCCAGCACAGCAACAAGTGAGGGAGCCCCTCGGGTCCTGGGCCCCCGGGCAGGGCTGT-3'
Protein context (NP_001164006.1, residues 430-450): RATLNAFLYR[Thr440Met]GQHSNKFMLV